The following is an entry in ClinVar:

ClinVar aggregate classification (germline): Uncertain significance. Review status: criteria provided, multiple submitters, no conflicts (2 of 4 stars). 2 submissions from 2 submitters: Uncertain significance (2). Last evaluated 2025-12-01.

Conditions:
Inborn genetic diseases. Identifiers: MedGen C0950123, MeSH D030342.

gnomAD v4.1: 19 of 1,612,800 alleles (0.0012%); highest among the groups gnomAD compares: Non-Finnish European, 0.0014%; no homozygotes.

Submissions (2):

CeGaT Center for Human Genetics Tuebingen
Classification: Uncertain significance. Last evaluated: 2025-12-01. Review status: criteria provided, single submitter. Criteria: CeGaT Center For Human Genetics Tuebingen Variant Classification Criteria Version 2. Collection method: clinical testing. Allele origin: germline. Affected: yes. Observed: 1 variant allele.
Comment: PKDCC: PM2, BP4

Ambry Genetics
Classification: Uncertain significance for Inborn genetic diseases. Last evaluated: 2025-10-29. Review status: criteria provided, single submitter. Criteria: Ambry Variant Classification Scheme 2023. Collection method: clinical testing. Allele origin: germline.

NM_138370.3(PKDCC):c.1220C>G (p.Thr407Ser)

Gene: PKDCC (protein kinase domain containing, cytoplasmic; plus strand). Cytogenetic location: 2p21.
Variant type: single nucleotide variant.
Coding change: c.1220C>G on transcript NM_138370.3 (MANE Select); coding-DNA position 1220, C replaced by G.
Protein change: p.Thr407Ser; replaces threonine 407 with serine.
Molecular consequence: missense variant.
Genome position (GRCh38, 1-based): chr2:42,055,391, C>G. VCF-style: chr2-42055391-C-G. GRCh37 (hg19) VCF-style: chr2-42282531-C-G.
Other names: short protein forms T407S.
Identifiers: ClinVar variation 3213705 (VCV003213705.6), dbSNP rs1005828441, ClinGen allele CA46360367.